The following is an entry in ClinVar:

ClinVar aggregate classification (germline): Pathogenic/Likely pathogenic. Review status: criteria provided, multiple submitters, no conflicts (2 of 4 stars). 2 submissions from 2 submitters: Pathogenic (1); Likely pathogenic (1). Last evaluated 2025-08-19.

Conditions:
Nephrotic syndrome, type 2 (NPHS2). Also called: NEPHROTIC SYNDROME, STEROID-RESISTANT, AUTOSOMAL RECESSIVE. Identifiers: Orphanet 656, MedGen C1868672, MONDO:0010974, OMIM 600995.

Submissions (2):

Labcorp Genetics (formerly Invitae), Labcorp
Classification: Pathogenic. Last evaluated: 2025-08-19. Review status: criteria provided, single submitter. Criteria: Invitae Variant Classification Sherloc (09022015). Collection method: clinical testing. Allele origin: germline.
Comment: This sequence change creates a premature translational stop signal (p.Leu330Valfs*15) in the NPHS2 gene. While this is not anticipated to result in nonsense mediated decay, it is expected to disrupt the last 54 amino acid(s) of the NPHS2 protein. This variant is not present in population databases (gnomAD no frequency). This premature translational stop signal has been observed in individual(s) with NPHS2-related conditions (PMID: 27573339). This variant disrupts a region of the NPHS2 protein in which other variant(s) (p.Phe344Leufs*4) have been determined to be pathogenic (PMID: 17371932, 23349334, 23515051, 23645318, 28780565, 29660491). This suggests that this is a clinically significant region of the protein, and that variants that disrupt it are likely to be disease-causing. For these reasons, this variant has been classified as Pathogenic.

Fulgent Genetics
Classification: Likely pathogenic for Nephrotic syndrome, type 2. Last evaluated: 2024-02-08. Review status: criteria provided, single submitter. Criteria: ACMG Guidelines, 2015. Collection method: clinical testing. Allele origin: germline.

Literature cited by the submitters: PubMed 27573339 (cited by Labcorp Genetics (formerly Invitae), Labcorp); PubMed 17371932 (cited by Labcorp Genetics (formerly Invitae), Labcorp); PubMed 23349334 (cited by Labcorp Genetics (formerly Invitae), Labcorp); PubMed 23515051 (cited by Labcorp Genetics (formerly Invitae), Labcorp); PubMed 23645318 (cited by Labcorp Genetics (formerly Invitae), Labcorp); PubMed 28780565 (cited by Labcorp Genetics (formerly Invitae), Labcorp); PubMed 29660491 (cited by Labcorp Genetics (formerly Invitae), Labcorp).

NM_014625.4(NPHS2):c.988_989del (p.Leu330fs)

Genes: AXDND1 (axonemal dynein light chain domain containing 1; plus strand), NPHS2 (NPHS2 stomatin family member, podocin; minus strand). Cytogenetic location: 1q25.2.
Variant type: Microsatellite.
Coding change: c.988_989del on transcript NM_014625.4 (MANE Select); coding-DNA positions 988 to 989, 2 bases deleted (CT; older notation c.988_989delCT).
Protein change: p.Leu330fs; shifts the reading frame from leucine 330.
Molecular consequence: frameshift variant. On other transcripts: intron variant (1).
Genome position (GRCh38, 1-based): chr1:179,551,336-179,551,337, AG deleted on the plus strand (CT on the coding strand, the reverse complement: NPHS2 is on the minus strand); deleting any 2 consecutive bases within chr1:179,551,336-179,551,340 gives the same sequence; the c. name uses the placement nearest the transcript's 3' end. VCF-style (leftmost placement, unchanged base first): chr1-179551335-CAG-C. GRCh37 (hg19) VCF-style: chr1-179520470-CAG-C.
Other names: c.784_785del, p.Leu262fs (NM_001297575.2); c.3032-3173_3032-3172del (NM_144696.6); short protein forms L262fs, L330fs.
Identifiers: ClinVar variation 3574208 (VCV003574208.2).
Genomic context (GRCh38, chr1:179,551,335, plus strand): 5'-CAGGCAATTCAGTAGGTCAAATGGCAAAGGTAAAACCACAGTGGAAGGCTTCTCTGTGGA[CAG>C]AGACTGAAGGGTGTGGAGGTATCGAAGCTGAACGGCAGCAGGGGTGCCTGACAGAATCTC-3'